The following is an entry in ClinVar:

NM_001318852.2(MAPK8IP3):c.2127G>C (p.Trp709Cys)

Gene: MAPK8IP3 (mitogen-activated protein kinase 8 interacting protein 3; plus strand). Cytogenetic location: 16p13.3.
Variant type: single nucleotide variant.
Coding change: c.2127G>C on transcript NM_001318852.2 (MANE Select); coding-DNA position 2127, G replaced by C.
Protein change: p.Trp709Cys; replaces tryptophan 709 with cysteine.
Molecular consequence: missense variant.
Genome position (GRCh38, 1-based): chr16:1,764,306, G>C. VCF-style: chr16-1764306-G-C. GRCh37 (hg19) VCF-style: chr16-1814307-G-C.
Other names: c.2106G>C, p.Trp702Cys (NM_001040439.2); c.2124G>C, p.Trp708Cys (NM_015133.5); short protein forms W702C, W708C, W709C.
Identifiers: ClinVar variation 5008657 (VCV005008657.1).

ClinVar aggregate classification (germline): Uncertain significance (1 of 4 stars; one submission).

Submission:

GeneDx
Classification: Uncertain significance. Last evaluated: 2026-03-05. Review status: criteria provided, single submitter. Criteria: GeneDx Variant Classification Process June 2021. Collection method: clinical testing. Allele origin: germline.
Comment: Not observed at significant frequency in large population cohorts (gnomAD); In silico analysis supports that this missense variant has a deleterious effect on protein structure/function; Has not been previously published as pathogenic or benign to our knowledge